The following is an entry in ClinVar:

ClinVar aggregate classification (germline): Benign. Review status: criteria provided, single submitter (1 of 4 stars). 2 submissions from 2 submitters: Benign (1). 1 of the submissions does not count toward it. Last evaluated 2025-04-27.

Conditions:
Kabuki syndrome. Also called: NIIKAWA-KUROKI SYNDROME; Kabuki make-up syndrome. Identifiers: Orphanet 2322, MedGen C0796004, MONDO:0016512.
KMT2D-related disorder. Also called: KMT2D-Related Disorders.

gnomAD v4.1: 11 of 1,613,866 alleles (0.00068%); highest among the groups gnomAD compares: Non-Finnish European, 0.00093%; no homozygotes.

Submissions (2):

Labcorp Genetics (formerly Invitae), Labcorp
Classification: Benign for Kabuki syndrome. Last evaluated: 2025-04-27. Review status: criteria provided, single submitter. Criteria: Invitae Variant Classification Sherloc (09022015). Collection method: clinical testing. Allele origin: germline.

PreventionGenetics, part of Exact Sciences
Classification: Uncertain significance for KMT2D-related condition. Last evaluated: 2024-08-02. Review status: no assertion criteria provided. Collection method: clinical testing. Allele origin: germline. Not counted in ClinVar's aggregate classification.
Comment: The KMT2D c.5038G>A variant is predicted to result in the amino acid substitution p.Glu1680Lys. To our knowledge, this variant has not been reported in the literature. This variant is reported in 0.0035% of alleles in individuals of European (Non-Finnish) descent in gnomAD. At this time, the clinical significance of this variant is uncertain due to the absence of conclusive functional and genetic evidence.

NM_003482.4(KMT2D):c.5038G>A (p.Glu1680Lys)

Gene: KMT2D (lysine methyltransferase 2D; minus strand). Cytogenetic location: 12q13.12.
Variant type: single nucleotide variant.
Coding change: c.5038G>A on transcript NM_003482.4 (MANE Select); coding-DNA position 5038, G replaced by A.
Protein change: p.Glu1680Lys; replaces glutamic acid 1680 with lysine.
Molecular consequence: missense variant.
Genome position (GRCh38, 1-based): chr12:49,044,448, C>T on the plus strand (G>A on the coding strand, the complement: KMT2D is on the minus strand). VCF-style: chr12-49044448-C-T. GRCh37 (hg19) VCF-style: chr12-49438231-C-T.
Other names: short protein forms E1680K.
Identifiers: ClinVar variation 3358851 (VCV003358851.2).